The following is an entry in ClinVar:

NM_003742.4(ABCB11):c.3258A>G (p.Thr1086=)

Gene: ABCB11 (ATP binding cassette subfamily B member 11; minus strand). Cytogenetic location: 2q31.1.
Variant type: single nucleotide variant.
Coding change: c.3258A>G on transcript NM_003742.4 (MANE Select); coding-DNA position 3258, A replaced by G.
Protein change: p.Thr1086=; no amino-acid change (threonine 1086 retained).
Molecular consequence: synonymous variant.
Genome position (GRCh38, 1-based): chr2:168,930,818, T>C on the plus strand (A>G on the coding strand, the complement: ABCB11 is on the minus strand). VCF-style: chr2-168930818-T-C. GRCh37 (hg19) VCF-style: chr2-169787328-T-C.
Other names: p.Thr1086=; c.3258A>G, p.Thr1086= (LRG_1199t1).
Identifiers: ClinVar variation 259153 (VCV000259153.20), dbSNP rs11568359, ClinGen allele CA1951062.

ClinVar aggregate classification (germline): Benign. Review status: criteria provided, multiple submitters, no conflicts (2 of 4 stars). 8 submissions from 8 submitters: Benign (7). 1 of the submissions does not count toward it. Last evaluated 2026-04-14.

Conditions:
Familial intrahepatic cholestasis. Identifiers: Orphanet 284385, MedGen CN296401, MONDO:0017290.
Progressive familial intrahepatic cholestasis type 2. Identifiers: Orphanet 79304, MedGen C3489789, MONDO:0011156, OMIM 601847.

Allele frequency attached by ClinVar (database versions not stated): gnomAD exomes 0.00236 and 0.00597; ExAC 0.00997; ESP Exome Variant Server 0.02435; gnomAD 0.02486 and 0.02682; 1000 Genomes Project 0.02636; TOPMed 0.02718; 1000 Genomes Project 30x 0.02920.
gnomAD v4.1: 7,310 of 1,611,290 alleles (0.45%); highest among the groups gnomAD compares: African/African-American, 8.8%; 268 homozygotes.

Submissions (8):

Genomenon, Inc
Classification: Benign for Familial intrahepatic cholestasis. Last evaluated: 2026-04-14. Review status: criteria provided, single submitter. Criteria: Genomenon Sequence Variant Interpretation Standards - Updated. Collection method: curation. Allele origin: germline. Affected: no.
Comment: ABCB11 c.3258A>G is a synonymous variant that retains Threonine at residue 1086. This variant is present at high allele frequency in population databases. In conclusion, we classify ABCB11 p.Thr1086= (c.3258A>G) as a benign variant.

Labcorp Genetics (formerly Invitae), Labcorp
Classification: Benign. Last evaluated: 2026-02-04. Review status: criteria provided, single submitter. Criteria: Invitae Variant Classification Sherloc (09022015). Collection method: clinical testing. Allele origin: germline.

Mayo Clinic Laboratories, Mayo Clinic
Classification: Benign. Last evaluated: 2022-01-27. Review status: criteria provided, single submitter. Criteria: ACMG Guidelines, 2015. Collection method: clinical testing. Allele origin: germline. Observed: 29 variant alleles.

Illumina Laboratory Services, Illumina
Classification: Benign for Progressive familial intrahepatic cholestasis type 2. Last evaluated: 2018-01-13. Review status: criteria provided, single submitter. Criteria: ICSL Variant Classification Criteria 13 December 2019. Collection method: clinical testing. Allele origin: germline.
Comment: This variant was observed in the ICSL laboratory as part of a predisposition screen in an ostensibly healthy population. It had not been previously curated by ICSL or reported in the Human Gene Mutation Database (HGMD: prior to June 1st, 2018), and was therefore a candidate for classification through an automated scoring system. Utilizing variant allele frequency, disease prevalence and penetrance estimates, and inheritance mode, an automated score was calculated to assess if this variant is too frequent to cause the disease. Based on the score and internal cut-off values, a variant classified as benign is not then subjected to further curation. The score for this variant resulted in a classification of benign for this disease.

GeneDx
Classification: Benign. Last evaluated: 2016-02-24. Review status: criteria provided, single submitter. Criteria: GeneDx Variant Classification (06012015). Collection method: clinical testing. Allele origin: germline. Affected: yes.
Comment: This variant is considered likely benign or benign based on one or more of the following criteria: it is a conservative change, it occurs at a poorly conserved position in the protein, it is predicted to be benign by multiple in silico algorithms, and/or has population frequency not consistent with disease.

Breakthrough Genomics
Classification: Benign. Review status: criteria provided, single submitter. Criteria: ACMG Guidelines, 2015. Collection method: not provided. Allele origin: germline. Inheritance: Autosomal recessive inheritance. Affected: yes.

PreventionGenetics, part of Exact Sciences
Classification: Benign. Review status: criteria provided, single submitter. Criteria: ACMG Guidelines, 2015. Collection method: clinical testing. Allele origin: germline.

Natera, Inc.
Classification: Benign for Progressive familial intrahepatic cholestasis type 2. Last evaluated: 2020-09-16. Review status: no assertion criteria provided. Collection method: clinical testing. Allele origin: germline. Not counted in ClinVar's aggregate classification.